The following is an entry in ClinVar:

ClinVar aggregate classification (germline): Uncertain significance. Review status: criteria provided, multiple submitters, no conflicts (2 of 4 stars). 2 submissions from 2 submitters: Uncertain significance (2). Last evaluated 2024-07-21.

Conditions:
Hereditary cancer-predisposing syndrome. Also called: Neoplastic Syndromes, Hereditary; Tumor predisposition; Hereditary neoplastic syndrome; Hereditary Cancer Syndrome. Identifiers: Orphanet 140162, MedGen C0027672, MeSH D009386, MONDO:0015356.
Fanconi anemia complementation group O. Also called: RAD51C-Related Fanconi Anemia. Identifiers: Orphanet 84, MedGen C3150653, MONDO:0013248, OMIM 613390.

Submissions (2):

Ambry Genetics
Classification: Uncertain significance for Hereditary cancer-predisposing syndrome. Last evaluated: 2024-07-21. Review status: criteria provided, single submitter. Criteria: Ambry Variant Classification Scheme 2023. Collection method: clinical testing. Allele origin: germline.
Comment: The p.C124F variant (also known as c.371G>T), located in coding exon 2 of the RAD51C gene, results from a G to T substitution at nucleotide position 371. The cysteine at codon 124 is replaced by phenylalanine, an amino acid with highly dissimilar properties. This amino acid position is highly conserved in available vertebrate species. In addition, this alteration is predicted to be deleterious by in silico analysis. Based on the available evidence, the clinical significance of this variant remains unclear.

Labcorp Genetics (formerly Invitae), Labcorp
Classification: Uncertain significance for Fanconi anemia complementation group O. Last evaluated: 2021-09-12. Review status: criteria provided, single submitter. Criteria: Invitae Variant Classification Sherloc (09022015). Collection method: clinical testing. Allele origin: germline.
Comment: In summary, the available evidence is currently insufficient to determine the role of this variant in disease. Therefore, it has been classified as a Variant of Uncertain Significance. Advanced modeling of protein sequence and biophysical properties (such as structural, functional, and spatial information, amino acid conservation, physicochemical variation, residue mobility, and thermodynamic stability) performed at Invitae indicates that this missense variant is expected to disrupt RAD51C protein function. This variant has not been reported in the literature in individuals affected with RAD51C-related conditions. This variant is not present in population databases (ExAC no frequency). This sequence change replaces cysteine with phenylalanine at codon 124 of the RAD51C protein (p.Cys124Phe). The cysteine residue is highly conserved and there is a large physicochemical difference between cysteine and phenylalanine.

NM_058216.3(RAD51C):c.371G>T (p.Cys124Phe)

Gene: RAD51C (RAD51 paralog C; plus strand). Cytogenetic location: 17q22.
Variant type: single nucleotide variant.
Coding change: c.371G>T on transcript NM_058216.3 (MANE Select); coding-DNA position 371, G replaced by T.
Protein change: p.Cys124Phe; replaces cysteine 124 with phenylalanine.
Molecular consequence: missense variant. On other transcripts: non-coding transcript variant (2).
Genome position (GRCh38, 1-based): chr17:58,695,156, G>T. VCF-style: chr17-58695156-G-T. GRCh37 (hg19) VCF-style: chr17-56772517-G-T.
Other names: c.371G>T, p.Cys124Phe (NM_002876.4); c.371G>T (NM_058216.1); short protein forms C124F.
Identifiers: ClinVar variation 1494885 (VCV001494885.7), dbSNP rs2143726574, ClinGen allele CA400341828.